The following is an entry in ClinVar:

ClinVar aggregate classification (germline): Uncertain significance (1 of 4 stars; one submission).

Conditions:
Familial temporal lobe epilepsy 7. Identifiers: Orphanet 101046, MedGen C4225327, MONDO:0014639, OMIM 616436.
Norman-Roberts syndrome (LIS2). Also called: Lissencephaly 2 (Norman-Roberts type). Identifiers: Orphanet 89844, MedGen C0796089, MONDO:0009760, OMIM 257320.

Submission:

Labcorp Genetics (formerly Invitae), Labcorp
Classification: Uncertain significance for Familial temporal lobe epilepsy 7; Norman-Roberts syndrome. Last evaluated: 2024-02-23. Review status: criteria provided, single submitter. Criteria: Invitae Variant Classification Sherloc (09022015). Collection method: clinical testing. Allele origin: germline.
Comment: This variant, c.2822_2836del, results in the deletion of 5 amino acid(s) of the RELN protein (p.Thr941_Asp945del), but otherwise preserves the integrity of the reading frame. This variant is not present in population databases (gnomAD no frequency). This variant has not been reported in the literature in individuals affected with RELN-related conditions. ClinVar contains an entry for this variant (Variation ID: 972256). Experimental studies and prediction algorithms are not available or were not evaluated, and the functional significance of this variant is currently unknown. In summary, the available evidence is currently insufficient to determine the role of this variant in disease. Therefore, it has been classified as a Variant of Uncertain Significance.

NM_005045.4(RELN):c.2822_2836del (p.Thr941_Asp945del)

Gene: RELN (reelin; minus strand). Cytogenetic location: 7q22.1.
Variant type: Deletion.
Coding change: c.2822_2836del on transcript NM_005045.4 (MANE Select); coding-DNA positions 2822 to 2836, 15 bases deleted (CCCCACACATGGACA).
Protein change: p.Thr941_Asp945del.
Molecular consequence: inframe deletion.
Genome position (GRCh38, 1-based): chr7:103,611,670-103,611,684, TGTCCATGTGTGGGG deleted on the plus strand (CCCCACACATGGACA on the coding strand, the reverse complement: RELN is on the minus strand); deleting any 15 consecutive bases within chr7:103,611,670-103,611,687 gives the same sequence; the c. name uses the placement nearest the transcript's 3' end. VCF-style (leftmost placement, unchanged base first): chr7-103611669-TTGTCCATGTGTGGGG-T. GRCh37 (hg19) VCF-style: chr7-103252116-TTGTCCATGTGTGGGG-T.
Other names: c.2822_2836del, p.Thr941_Asp945del (NM_173054.3).
Identifiers: ClinVar variation 972256 (VCV000972256.9), dbSNP rs1831961846, ClinGen allele CA1139660172.